The following is an entry in ClinVar:

ClinVar aggregate classification (germline): Uncertain significance (1 of 4 stars; one submission).

Allele frequency attached by ClinVar (database versions not stated): TOPMed 0.00022; gnomAD 0.00027; ExAC 0.00044; ESP Exome Variant Server 0.00054.
gnomAD v4.1: 924 of 1,613,954 alleles (0.057%); highest among the groups gnomAD compares: Non-Finnish European, 0.075%; 2 homozygotes.

Submission:

Labcorp Genetics (formerly Invitae), Labcorp
Classification: Uncertain significance. Last evaluated: 2023-05-10. Review status: criteria provided, single submitter. Criteria: Invitae Variant Classification Sherloc (09022015). Collection method: clinical testing. Allele origin: germline.
Comment: This sequence change replaces proline, which is neutral and non-polar, with leucine, which is neutral and non-polar, at codon 519 of the NRIP1 protein (p.Pro519Leu). This variant is present in population databases (rs143020721, gnomAD 0.06%), and has an allele count higher than expected for a pathogenic variant. In summary, the available evidence is currently insufficient to determine the role of this variant in disease. Therefore, it has been classified as a Variant of Uncertain Significance. An algorithm developed to predict the effect of missense changes on protein structure and function (PolyPhen-2) suggests that this variant¬¨‚Ä† is likely to be tolerated. This variant has not been reported in the literature in individuals affected with NRIP1-related conditions.

NM_003489.4(NRIP1):c.1556C>T (p.Pro519Leu)

Gene: NRIP1 (nuclear receptor interacting protein 1; minus strand). Cytogenetic location: 21q11.2.
Variant type: single nucleotide variant.
Coding change: c.1556C>T on transcript NM_003489.4 (MANE Select); coding-DNA position 1556, C replaced by T.
Protein change: p.Pro519Leu; replaces proline 519 with leucine.
Molecular consequence: missense variant.
Genome position (GRCh38, 1-based): chr21:14,966,637, G>A on the plus strand (C>T on the coding strand, the complement: NRIP1 is on the minus strand). VCF-style: chr21-14966637-G-A. GRCh37 (hg19) VCF-style: chr21-16338958-G-A.
Other names: short protein forms P519L.
Identifiers: ClinVar variation 2744834 (VCV002744834.2), dbSNP rs143020721, ClinGen allele CA9981318.